The following is an entry in ClinVar:

NM_005431.2(XRCC2):c.142G>A (p.Gly48Ser)

Gene: XRCC2 (X-ray repair cross complementing 2; minus strand). Cytogenetic location: 7q36.1.
Variant type: single nucleotide variant.
Coding change: c.142G>A on transcript NM_005431.2 (MANE Select); coding-DNA position 142, G replaced by A.
Protein change: p.Gly48Ser; replaces glycine 48 with serine.
Molecular consequence: missense variant.
Genome position (GRCh38, 1-based): chr7:152,649,343, C>T on the plus strand (G>A on the coding strand, the complement: XRCC2 is on the minus strand). VCF-style: chr7-152649343-C-T. GRCh37 (hg19) VCF-style: chr7-152346428-C-T.
Other names: short protein forms G48S.
Identifiers: ClinVar variation 819195 (VCV000819195.5), dbSNP rs1590129815, ClinGen allele CA370199334.

ClinVar aggregate classification (germline): Uncertain significance (1 of 4 stars; one submission).

Conditions:
Hereditary cancer-predisposing syndrome. Also called: Tumor predisposition; Hereditary neoplastic syndrome; Neoplastic Syndromes, Hereditary; Hereditary Cancer Syndrome. Identifiers: Orphanet 140162, MedGen C0027672, MeSH D009386, MONDO:0015356.

Allele frequency attached by ClinVar (database versions not stated): gnomAD exomes below 0.00001.
gnomAD v4.1: 3 of 1,590,556 alleles (0.00019%); highest among the groups gnomAD compares: Non-Finnish European, 0.00026%; no homozygotes.

Submission:

Ambry Genetics
Classification: Uncertain significance for Hereditary cancer-predisposing syndrome. Last evaluated: 2024-04-19. Review status: criteria provided, single submitter. Criteria: Ambry Variant Classification Scheme 2023. Collection method: clinical testing. Allele origin: germline.
Comment: The p.G48S variant (also known as c.142G>A), located in coding exon 3 of the XRCC2 gene, results from a G to A substitution at nucleotide position 142. The glycine at codon 48 is replaced by serine, an amino acid with similar properties. This amino acid position is highly conserved in available vertebrate species. In addition, this alteration is predicted to be deleterious by in silico analysis. Since supporting evidence is limited at this time, the clinical significance of this alteration remains unclear.